The following is an entry in ClinVar:

NM_021922.3(FANCE):c.1235C>T (p.Thr412Ile)

Gene: FANCE (FA complementation group E; plus strand). Cytogenetic location: 6p21.31.
Variant type: single nucleotide variant.
Coding change: c.1235C>T on transcript NM_021922.3 (MANE Select); coding-DNA position 1235, C replaced by T.
Protein change: p.Thr412Ile; replaces threonine 412 with isoleucine.
Molecular consequence: missense variant.
Genome position (GRCh38, 1-based): chr6:35,459,452, C>T. VCF-style: chr6-35459452-C-T. GRCh37 (hg19) VCF-style: chr6-35427229-C-T.
Other names: c.1235C>T, p.Thr412Ile (NM_001410876.1); short protein forms T412I.
Identifiers: ClinVar variation 3614153 (VCV003614153.2).

ClinVar aggregate classification (germline): Uncertain significance (1 of 4 stars; one submission).

Conditions:
Fanconi anemia complementation group E (FANCE). Also called: FANCE-Related Fanconi Anemia. Identifiers: Orphanet 84, MedGen C3160739, MONDO:0010953, OMIM 600901.

gnomAD v4.1: 6 of 1,613,906 alleles (0.00037%); highest among the groups gnomAD compares: Admixed American, 0.0017%; no homozygotes.

Submission:

Labcorp Genetics (formerly Invitae), Labcorp
Classification: Uncertain significance for Fanconi anemia complementation group E. Last evaluated: 2024-08-21. Review status: criteria provided, single submitter. Criteria: Invitae Variant Classification Sherloc (09022015). Collection method: clinical testing. Allele origin: germline.
Comment: This sequence change replaces threonine, which is neutral and polar, with isoleucine, which is neutral and non-polar, at codon 412 of the FANCE protein (p.Thr412Ile). This variant is present in population databases (no rsID available, gnomAD 0.003%). This variant has not been reported in the literature in individuals affected with FANCE-related conditions. An algorithm developed to predict the effect of missense changes on protein structure and function outputs the following: PolyPhen-2: "Benign". The isoleucine amino acid residue is found in multiple mammalian species, which suggests that this missense change does not adversely affect protein function. In summary, the available evidence is currently insufficient to determine the role of this variant in disease. Therefore, it has been classified as a Variant of Uncertain Significance.